The following is an entry in ClinVar:

NM_005902.4(SMAD3):c.533-10T>C

Gene: SMAD3 (SMAD family member 3; plus strand). Cytogenetic location: 15q22.33.
Variant type: single nucleotide variant.
Coding change: c.533-10T>C on transcript NM_005902.4 (MANE Select); 10 bases into the intron before coding-DNA position 533, T replaced by C.
Molecular consequence: intron variant.
Genome position (GRCh38, 1-based): chr15:67,166,769, T>C. VCF-style: chr15-67166769-T-C. GRCh37 (hg19) VCF-style: chr15-67459107-T-C.
Other names: c.533-10T>C (NM_001407011.1, NM_001407013.1); c.401-10T>C (NM_001407012.1, NM_001145103.2); c.386-10T>C (NM_001407014.1); c.218-10T>C (NM_001145102.2, NM_001407016.1); c.86-10T>C (NM_001407015.1); c.-53-10T>C (NM_001145104.2, NM_001407017.1).
Identifiers: ClinVar variation 3073445 (VCV003073445.3), dbSNP rs995045417, ClinGen allele CA272378850.

ClinVar aggregate classification (germline): Conflicting classifications of pathogenicity. Review status: criteria provided, conflicting classifications (1 of 4 stars). 4 submissions from 4 submitters: Uncertain significance (2); Likely benign (2). Last evaluated 2025-03-14.

Conditions:
Familial thoracic aortic aneurysm and aortic dissection (TAAD). Also called: Thoracic aortic aneurysms and dissections. Identifiers: Orphanet 91387, MedGen C4707243, MONDO:0019625.
Aneurysm-osteoarthritis syndrome. Also called: LOEYS-DIETZ SYNDROME WITH OSTEOARTHRITIS; Loeys-Dietz syndrome, type 1C; SMAD3-Related Loeys-Dietz Syndrome; ANEURYSMS-OSTEOARTHRITIS SYNDROME. Identifiers: Orphanet 284984, MedGen C3151087, MONDO:0013426, OMIM 613795.

Allele frequency attached by ClinVar (database versions not stated): gnomAD exomes below 0.00001; TOPMed below 0.00001.
gnomAD v4.1: 7 of 1,581,026 alleles (0.00044%); highest among the groups gnomAD compares: Non-Finnish European, 0.00052%; 1 homozygote.

Submissions (4):

Women's Health and Genetics/Laboratory Corporation of America, LabCorp
Classification: Likely benign. Last evaluated: 2025-03-14. Review status: criteria provided, single submitter. Criteria: LabCorp Variant Classification Summary - May 2015. Collection method: clinical testing. Allele origin: germline.

Blueprint Genetics
Classification: Likely benign. Last evaluated: 2024-01-23. Review status: criteria provided, single submitter. Criteria: ACMG Guidelines, 2015. Collection method: clinical testing. Allele origin: germline.

All of Us Research Program, National Institutes of Health
Classification: Uncertain significance for Aneurysm-osteoarthritis syndrome. Last evaluated: 2023-09-17. Review status: criteria provided, single submitter. Criteria: ACMG Guidelines, 2015. Collection method: clinical testing. Allele origin: germline. Inheritance: Autosomal dominant inheritance. Observed: 1 variant allele, 1 heterozygote.
Comment: This variant causes a T to C nucleotide substitution at the -10 position of intron 3/8 of the SMAD3 gene. To our knowledge, functional studies have not been reported for this variant. This variant has not been reported in individuals affected with SMAD3-related disorders in the literature. This variant has been identified in 2/203648 chromosomes in the general population by the Genome Aggregation Database (gnomAD). The available evidence is insufficient to determine the role of this variant in disease conclusively. Therefore, this variant is classified as a Variant of Uncertain Significance.

This study involves interpretation of variants in research participants for the purpose of population health screening. Participant phenotype was not available at the time of variant classification. Additional details can be found in publication PMID: 35346344, PMCID: PMC8962531

Color Diagnostics, LLC DBA Color Health
Classification: Uncertain significance for Familial thoracic aortic aneurysm and aortic dissection. Last evaluated: 2023-09-06. Review status: criteria provided, single submitter. Criteria: ACMG Guidelines, 2015. Collection method: clinical testing. Allele origin: germline.
Comment: This variant causes a T to C nucleotide substitution at the -10 position of intron 3 of the SMAD3 gene. To our knowledge, functional studies have not been reported for this variant. This variant has not been reported in individuals affected with SMAD3-related disorders in the literature. This variant has been identified in 2/203648 chromosomes in the general population by the Genome Aggregation Database (gnomAD). The available evidence is insufficient to determine the role of this variant in disease conclusively. Therefore, this variant is classified as a Variant of Uncertain Significance.